The following is an entry in ClinVar:

ClinVar aggregate classification (germline): Uncertain significance (1 of 4 stars; one submission).

Conditions:
Epilepsy, progressive myoclonic, 1B. Also called: PME. Identifiers: Orphanet 308, MedGen C2676254, MONDO:0012904, OMIM 612437.

Allele frequency attached by ClinVar (database versions not stated): gnomAD exomes below 0.00001; TOPMed below 0.00001.
gnomAD v4.1: 7 of 1,614,030 alleles (0.00043%); highest among the groups gnomAD compares: Middle Eastern, 0.016%; no homozygotes.

Submission:

Labcorp Genetics (formerly Invitae), Labcorp
Classification: Uncertain significance for Epilepsy, progressive myoclonic, 1B. Last evaluated: 2023-07-07. Review status: criteria provided, single submitter. Criteria: Invitae Variant Classification Sherloc (09022015). Collection method: clinical testing. Allele origin: germline.
Comment: This sequence change replaces proline, which is neutral and non-polar, with serine, which is neutral and polar, at codon 430 of the PRICKLE1 protein (p.Pro430Ser). This variant is present in population databases (no rsID available, gnomAD 0.0009%). This variant has not been reported in the literature in individuals affected with PRICKLE1-related conditions. ClinVar contains an entry for this variant (Variation ID: 853734). Advanced modeling of protein sequence and biophysical properties (such as structural, functional, and spatial information, amino acid conservation, physicochemical variation, residue mobility, and thermodynamic stability) performed at Invitae indicates that this missense variant is not expected to disrupt PRICKLE1 protein function. In summary, the available evidence is currently insufficient to determine the role of this variant in disease. Therefore, it has been classified as a Variant of Uncertain Significance.

NM_153026.3(PRICKLE1):c.1288C>T (p.Pro430Ser)

Gene: PRICKLE1 (prickle planar cell polarity protein 1; minus strand). Cytogenetic location: 12q12.
Variant type: single nucleotide variant.
Coding change: c.1288C>T on transcript NM_153026.3 (MANE Select); coding-DNA position 1288, C replaced by T.
Protein change: p.Pro430Ser; replaces proline 430 with serine.
Molecular consequence: missense variant.
Genome position (GRCh38, 1-based): chr12:42,464,746, G>A on the plus strand (C>T on the coding strand, the complement: PRICKLE1 is on the minus strand). VCF-style: chr12-42464746-G-A. GRCh37 (hg19) VCF-style: chr12-42858548-G-A.
Other names: c.1288C>T, p.Pro430Ser (NM_001144881.2, NM_001144882.2, NM_001144883.2); short protein forms P430S.
Identifiers: ClinVar variation 853734 (VCV000853734.9), dbSNP rs1311851345, ClinGen allele CA384442036.